The following is an entry in ClinVar:

ClinVar aggregate classification (germline): Uncertain significance (1 of 4 stars; one submission).

gnomAD v4.1: 53 of 1,550,710 alleles (0.0034%); highest among the groups gnomAD compares: East Asian, 0.0073%; no homozygotes.

Submission:

GeneDx
Classification: Uncertain significance. Last evaluated: 2023-06-12. Review status: criteria provided, single submitter. Criteria: GeneDx Variant Classification Process June 2021. Collection method: clinical testing. Allele origin: germline. Affected: yes.
Comment: In silico analysis supports that this missense variant does not alter protein structure/function; Has not been previously published as pathogenic or benign to our knowledge

NM_001292063.2(OTOG):c.1841G>A (p.Arg614Gln)

Gene: OTOG (otogelin; plus strand). Cytogenetic location: 11p15.1.
Variant type: single nucleotide variant.
Coding change: c.1841G>A on transcript NM_001292063.2 (MANE Select); coding-DNA position 1841, G replaced by A.
Protein change: p.Arg614Gln; replaces arginine 614 with glutamine.
Molecular consequence: missense variant.
Genome position (GRCh38, 1-based): chr11:17,570,276, G>A. VCF-style: chr11-17570276-G-A. GRCh37 (hg19) VCF-style: chr11-17591823-G-A.
Other names: c.1877G>A, p.Arg626Gln (NM_001277269.2); short protein forms R614Q, R626Q.
Identifiers: ClinVar variation 3359603 (VCV003359603.1).
Genomic context (GRCh38, chr11:17,570,276, plus strand): 5'-CCTTTGAGATCCGTAGGCTGTCCTCCGTGTTCCTGCGGGTGAGGACGAACGTGGGCGTGC[G>A]GGTGCTCTACGACCGTGAAGGGCTCCGACTGTACCTGCAAGTGGACCAGCGATGGGTGGA-3'
Protein context (NP_001278992.1, residues 604-624): FLRVRTNVGV[Arg614Gln]VLYDREGLRL